The following is an entry in ClinVar:

NM_001148.6(ANK2):c.1288-5C>T

Gene: ANK2 (ankyrin 2; plus strand). Cytogenetic location: 4q26.
Variant type: single nucleotide variant.
Coding change: c.1288-5C>T on transcript NM_001148.6 (MANE Select); 5 bases into the intron before coding-DNA position 1288, C replaced by T.
Molecular consequence: intron variant.
Genome position (GRCh38, 1-based): chr4:113,258,308, C>T. VCF-style: chr4-113258308-C-T. GRCh37 (hg19) VCF-style: chr4-114179464-C-T.
Other names: c.1276-5C>T (NM_001386186.2, NM_001386148.2); c.1176+2376C>T (NM_001354269.3); c.1252-5C>T (NM_001386187.2); c.1246-5C>T (NM_001386147.1, NM_001386160.1, NM_001354261.2); c.1225-5C>T (NM_001354254.2, NM_001354239.2, NM_001354252.2 and 14 more transcripts); c.1201-5C>T (NM_001354249.2, NM_001354266.2, NM_001354276.2 and 13 more transcripts); c.1101+2376C>T (NM_001386157.1, NM_001354277.2, NM_001386158.1); c.1333-5C>T (NM_001354241.2, NM_001386152.1, NM_001354237.2 and 5 more transcripts); and 4 more.
Identifiers: ClinVar variation 3294999 (VCV003294999.3).
Genomic context (GRCh38, chr4:113,258,308, plus strand): 5'-ATCTGAAGAAGCCCCAAAGCCCCACCGGTGCAGAGGAGTAAAACTGCTGTTGCTTTGTTT[C>T]GCAGTCTGGCCTCACACCAATACATGTGGCTGCCTTCATGGGCCACTTGAACATTGTCCT-3'

ClinVar aggregate classification (germline): Conflicting classifications of pathogenicity. Review status: criteria provided, conflicting classifications (1 of 4 stars). 2 submissions from 2 submitters: Uncertain significance (1); Likely benign (1). Last evaluated 2024-09-24.

Conditions:
Cardiovascular phenotype. Identifiers: MedGen CN230736.
Long QT syndrome (LQTS). Identifiers: MedGen C0023976, MeSH D008133, MONDO:0002442. Disease mechanism: loss of function. Inheritance: Various modes of inheritance.

gnomAD v4.1: 22 of 1,613,734 alleles (0.0014%); highest among the groups gnomAD compares: South Asian, 0.0055%; no homozygotes.

Submissions (2):

Labcorp Genetics (formerly Invitae), Labcorp
Classification: Likely benign for Long QT syndrome. Last evaluated: 2024-09-24. Review status: criteria provided, single submitter. Criteria: Invitae Variant Classification Sherloc (09022015). Collection method: clinical testing. Allele origin: germline.

Ambry Genetics
Classification: Uncertain significance for Cardiovascular phenotype. Last evaluated: 2024-05-17. Review status: criteria provided, single submitter. Criteria: Ambry Variant Classification Scheme 2023. Collection method: clinical testing. Allele origin: germline.
Comment: The c.1288-5C>T intronic variant results from a C to T substitution 5 nucleotides upstream from coding exon 13 in the ANK2 gene. This alteration has been reported in an autism spectrum disease cohort (Zhou X et al. Nat Genet, 2022 Sep;54:1305-1319). This nucleotide position is highly conserved in available vertebrate species. In silico splice site analysis predicts that this alteration will not have any significant effect on splicing. According to data from gnomAD, the frequency for this variant is above the maximum credible frequency for a cardiac disease-causing variant in this gene based on internally established thresholds (Karczewski et al.Nature. 2020 May;581(7809):434-443; Whiffin et al.Genet Med. 2017 10;19:1151-1158). Based on the supporting evidence, the association of this alteration withANK2-related neurodevelopmental disorderis unknown; however, the association withANK2-related arrhythmiais unlikely.

Literature cited by the submitters: PubMed 35982159 (cited by Ambry Genetics).